The following is an entry in ClinVar:

ClinVar aggregate classification (germline): Uncertain significance (1 of 4 stars; one submission).

Allele frequency attached by ClinVar (database versions not stated): gnomAD exomes below 0.00001; TOPMed below 0.00001.
gnomAD v4.1: 1 of 1,607,838 alleles (0.000062%); highest among the groups gnomAD compares: Middle Eastern, 0.017%; no homozygotes.

Submission:

GeneDx
Classification: Uncertain significance. Last evaluated: 2021-04-01. Review status: criteria provided, single submitter. Criteria: GeneDx Variant Classification Process June 2021. Collection method: clinical testing. Allele origin: germline. Affected: yes.
Comment: Has not been previously published as pathogenic or benign to our knowledge

NM_006245.4(PPP2R5D):c.-5C>T

Genes: PPP2R5D (protein phosphatase 2 regulatory subunit B'delta; plus strand), LOC129996483 (ATAC-STARR-seq lymphoblastoid silent region 17211; plus strand). Cytogenetic location: 6p21.1.
Variant type: single nucleotide variant.
Coding change: c.-5C>T on transcript NM_006245.4 (MANE Select); 5 bases upstream of the start codon, C replaced by T.
Molecular consequence: 5 prime UTR variant.
Genome position (GRCh38, 1-based): chr6:42,984,673, C>T. VCF-style: chr6-42984673-C-T. GRCh37 (hg19) VCF-style: chr6-42952411-C-T.
Other names: c.-475C>T (NM_001270476.2); c.-5C>T (NM_180976.3, NM_180977.3).
Identifiers: ClinVar variation 1302037 (VCV001302037.2), dbSNP rs1294637766, ClinGen allele CA566788897.